The following is an entry in ClinVar:

ClinVar aggregate classification (germline): Likely pathogenic (1 of 4 stars; one submission).

Conditions:
Type 2 diabetes mellitus. Also called: Type II diabetes mellitus. Identifiers: MedGen C0011860, MeSH D003924, MONDO:0005148, OMIM 125853, HP:0005978.

Submission:

3billion
Classification: Likely pathogenic for Type 2 diabetes mellitus. Last evaluated: 2025-07-21. Review status: criteria provided, single submitter. Criteria: ACMG Guidelines, 2015. Collection method: clinical testing. Allele origin: germline. Affected: yes.
Comment: The variant is not observed in the gnomAD v4.1.0 dataset. Predicted Consequence/Location: Frameshift: predicted to result in a loss or disruption of normal protein function through nonsense-mediated decay (NMD) or protein truncation. Multiple pathogenic variants are reported downstream of the variant. Therefore, this variant is classified as Likely pathogenic according to the recommendation of ACMG/AMP guideline.

NM_175914.5(HNF4A):c.692_696del (p.Arg231fs)

Gene: HNF4A (hepatocyte nuclear factor 4 alpha; plus strand). Cytogenetic location: 20q13.12.
Variant type: Deletion.
Coding change: c.692_696del on transcript NM_175914.5 (MANE Select); coding-DNA positions 692 to 696, 5 bases deleted (GGCAC; older notation c.692_696delGGCAC).
Protein change: p.Arg231fs; shifts the reading frame from arginine 231.
Molecular consequence: frameshift variant.
Genome position (GRCh38, 1-based): chr20:44,419,742-44,419,746, GGCAC deleted; deleting any 5 consecutive bases within chr20:44,419,741-44,419,746 gives the same sequence; the c. name uses the placement nearest the transcript's 3' end. VCF-style (leftmost placement, unchanged base first): chr20-44419740-TCGGCA-T. GRCh37 (hg19) VCF-style: chr20-43048380-TCGGCA-T.
Other names: c.683_687del, p.Arg228fs (NM_001287183.2, NM_001287184.2, NM_001287182.2); c.758_762del, p.Arg253fs (NM_178849.3, NM_178850.3, NM_000457.6); c.692_696del, p.Arg231fs (NM_001030003.3, NM_001030004.3); c.737_741del, p.Arg246fs (NM_001258355.2); short protein forms R228fs, R231fs, R246fs, R253fs.
Identifiers: ClinVar variation 4854596 (VCV004854596.1).
Genomic context (GRCh38, chr20:44,419,740, plus strand): 5'-CAAGGTGACTTCCCATCCTCCCTCCCTCCCAACCCTTCCAGGCAATGACTACATTGTCCC[TCGGCA>T]CTGCCCGGAGCTGGCGGAGATGAGCCGGGTGTCCATACGCATCCTTGACGAGCTGGTGCT-3'